The following is an entry in ClinVar:

ClinVar aggregate classification (germline): Likely benign (1 of 4 stars; one submission).

Allele frequency attached by ClinVar (database versions not stated): gnomAD exomes below 0.00001.
gnomAD v4.1: 4 of 1,614,104 alleles (0.00025%); highest among the groups gnomAD compares: Non-Finnish European, 0.00034%; no homozygotes.

Submission:

ARUP Laboratories, Molecular Genetics and Genomics, ARUP Laboratories
Classification: Likely benign. Last evaluated: 2018-01-22. Review status: criteria provided, single submitter. Criteria: ARUP Molecular Germline Variant Investigation Process. Collection method: clinical testing. Allele origin: germline.
Comment: The c.28C>T; p.Leu10Leu variant does not alter the amino acid sequence of the AKAP9 protein and computational splice site prediction algorithms do not predict a change in the nearest splice site or creation of a cryptic splice site. This variant, to our knowledge, is not reported in the medical literature, gene specific variation databases, nor has it been previously identified by our laboratory. It is absent from the general population databases (1000 Genomes Project, Exome Variant Server, Genome Aggregation Database), indicating it is not a common polymorphism. Based on the available information, the c.28C>T variant is likely to be benign.

NM_005751.5(AKAP9):c.28C>T (p.Leu10=)

Genes: AKAP9 (A-kinase anchoring protein 9; plus strand), LOC129998788 (ATAC-STARR-seq lymphoblastoid active region 26256; plus strand). Cytogenetic location: 7q21.2.
Variant type: single nucleotide variant.
Coding change: c.28C>T on transcript NM_005751.5 (MANE Select); coding-DNA position 28, C replaced by T.
Protein change: p.Leu10=; no amino-acid change (leucine 10 retained).
Molecular consequence: synonymous variant.
Genome position (GRCh38, 1-based): chr7:91,941,127, C>T. VCF-style: chr7-91941127-C-T. GRCh37 (hg19) VCF-style: chr7-91570441-C-T.
Other names: c.28C>T, p.Leu10= (NM_147185.3).
Identifiers: ClinVar variation 618522 (VCV000618522.8), dbSNP rs778519429, ClinGen allele CA456452256.
Genomic context (GRCh38, chr7:91,941,127, plus strand): 5'-CCCCTGTTTTCCCCTGCCTTCCTTGCAGAGGCCATGGAGGACGAGGAGAGACAGAAGAAG[C>T]TGGAGGCCGGCAAAGCCAAGGTAGGAGAGCCCGAGGCAACCGGGCCTGCGGTGGGAGGCG-3'
Protein context (NP_005742.4, residues 1-20): MEDEERQKK[Leu10=]EAGKAKLAQF